The following is an entry in ClinVar:

ClinVar aggregate classification (germline): Conflicting classifications of pathogenicity. Review status: criteria provided, conflicting classifications (1 of 4 stars). 5 submissions from 5 submitters: Uncertain significance (4); Likely benign (1). Last evaluated 2026-02-03.

Conditions:
Cardiovascular phenotype. Identifiers: MedGen CN230736.
Catecholaminergic polymorphic ventricular tachycardia (CVPT). Also called: Catecholamine-induced polymorphic ventricular tachycardia. Identifiers: Orphanet 3286, MedGen C5574922, MONDO:0017990.
Cardiomyopathy (CMYO). Also called: Cardiomyopathies. Identifiers: Orphanet 167848, MedGen C0878544, MONDO:0004994, HP:0001638. Inheritance: Various modes of inheritance.
Catecholaminergic polymorphic ventricular tachycardia 1. Also called: VENTRICULAR TACHYCARDIA, STRESS-INDUCED POLYMORPHIC 1; VENTRICULAR TACHYCARDIA, CATECHOLAMINERGIC POLYMORPHIC, 1, WITH OR WITHOUT ATRIAL DYSFUNCTION AND/OR DILATED CARDIOMYOPATHY; RYR2-Related Catecholaminergic Polymorphic Ventricular Tachycardia. Identifiers: Orphanet 3286, MedGen C1631597, MONDO:0011484, OMIM 604772.

Allele frequency attached by ClinVar (database versions not stated): gnomAD exomes below 0.00001 and 0.00002; ExAC 0.00001; gnomAD 0.00005 and 0.00006; TOPMed 0.00007.
gnomAD v4.1: 12 of 1,613,396 alleles (0.00074%); highest among the groups gnomAD compares: African/African-American, 0.012%; no homozygotes.

Submissions (5):

Labcorp Genetics (formerly Invitae), Labcorp
Classification: Likely benign for Catecholaminergic polymorphic ventricular tachycardia 1. Last evaluated: 2026-02-03. Review status: criteria provided, single submitter. Criteria: Invitae Variant Classification Sherloc (09022015). Collection method: clinical testing. Allele origin: germline.

GeneDx
Classification: Uncertain significance. Last evaluated: 2025-07-03. Review status: criteria provided, single submitter. Criteria: GeneDx Variant Classification Process June 2021. Collection method: clinical testing. Allele origin: germline. Affected: yes.
Comment: In silico analysis suggests that this missense variant does not alter protein structure/function; Located in one of the three hot-spot regions of the RYR2 gene, where the majority of pathogenic missense variants occur (PMID: 19926015); Has not been previously published as pathogenic or benign to our knowledge; This variant is associated with the following publications: (PMID: 19926015)

All of Us Research Program, National Institutes of Health
Classification: Uncertain significance for Catecholaminergic polymorphic ventricular tachycardia. Last evaluated: 2024-07-29. Review status: criteria provided, single submitter. Criteria: ACMG Guidelines, 2015. Collection method: clinical testing. Allele origin: germline. Inheritance: Autosomal dominant inheritance. Observed: 7 variant alleles, 7 heterozygotes.
Comment: This missense variant replaces leucine with valine at codon 4026 of the RYR2 protein. Computational prediction is inconclusive regarding the impact of this variant on protein structure and function (internally defined REVEL score threshold 0.5 < inconclusive < 0.7, PMID: 27666373). To our knowledge, functional studies have not been reported for this variant. This variant has not been reported in individuals affected with RYR2-related disorders in the literature. This variant has been identified in 6/279226 chromosomes in the general population by the Genome Aggregation Database (gnomAD). The available evidence is insufficient to determine the role of this variant in disease conclusively. Therefore, this variant is classified as a Variant of Uncertain Significance.

This study involves interpretation of variants in research participants for the purpose of population health screening. Participant phenotype was not available at the time of variant classification. Additional details can be found in publication PMID: 35346344, PMCID: PMC8962531

Color Diagnostics, LLC DBA Color Health
Classification: Uncertain significance for Cardiomyopathy. Last evaluated: 2024-03-06. Review status: criteria provided, single submitter. Criteria: ACMG Guidelines, 2015. Collection method: clinical testing. Allele origin: germline.
Comment: This missense variant replaces leucine with valine at codon 4026 of the RYR2 protein. Computational prediction is inconclusive regarding the impact of this variant on protein structure and function (internally defined REVEL score threshold 0.5 < inconclusive < 0.7, PMID: 27666373). To our knowledge, functional studies have not been reported for this variant. This variant has not been reported in individuals affected with RYR2-related disorders in the literature. This variant has been identified in 6/279226 chromosomes in the general population by the Genome Aggregation Database (gnomAD). The available evidence is insufficient to determine the role of this variant in disease conclusively. Therefore, this variant is classified as a Variant of Uncertain Significance.

Ambry Genetics
Classification: Uncertain significance for Cardiovascular phenotype. Last evaluated: 2023-12-11. Review status: criteria provided, single submitter. Criteria: Ambry Variant Classification Scheme 2023. Collection method: clinical testing. Allele origin: germline.
Comment: The p.L4026V variant (also known as c.12076T>G), located in coding exon 90 of the RYR2 gene, results from a T to G substitution at nucleotide position 12076. The leucine at codon 4026 is replaced by valine, an amino acid with highly similar properties. This amino acid position is highly conserved in available vertebrate species. In addition, the in silico prediction for this alteration is inconclusive. Since supporting evidence is limited at this time, the clinical significance of this alteration remains unclear.

NM_001035.3(RYR2):c.12076T>G (p.Leu4026Val)

Gene: RYR2 (ryanodine receptor 2; plus strand). Cytogenetic location: 1q43.
Variant type: single nucleotide variant.
Coding change: c.12076T>G on transcript NM_001035.3 (MANE Select); coding-DNA position 12076, T replaced by G.
Protein change: p.Leu4026Val; replaces leucine 4026 with valine.
Molecular consequence: missense variant.
Genome position (GRCh38, 1-based): chr1:237,783,788, T>G. VCF-style: chr1-237783788-T-G. GRCh37 (hg19) VCF-style: chr1-237947088-T-G.
Other names: c.12076T>G, p.Leu4026Val (LRG_402t1); short protein forms L4026V.
Identifiers: ClinVar variation 463552 (VCV000463552.21), dbSNP rs765141566, ClinGen allele CA085118.